The following is an entry in ClinVar:

ClinVar aggregate classification (germline): Uncertain significance. Review status: criteria provided, multiple submitters, no conflicts (2 of 4 stars). 2 submissions from 2 submitters: Uncertain significance (2). Last evaluated 2025-06-01.

Allele frequency attached by ClinVar (database versions not stated): gnomAD 0.00003; TOPMed 0.00003; ExAC 0.00008; 1000 Genomes Project 30x 0.00016; 1000 Genomes Project 0.00020.
gnomAD v4.1: 33 of 1,537,418 alleles (0.0021%); highest among the groups gnomAD compares: Middle Eastern, 0.017%; no homozygotes.

Submissions (2):

CeGaT Center for Human Genetics Tuebingen
Classification: Uncertain significance. Last evaluated: 2025-06-01. Review status: criteria provided, single submitter. Criteria: CeGaT Center For Human Genetics Tuebingen Variant Classification Criteria Version 2. Collection method: clinical testing. Allele origin: germline. Affected: yes. Observed: 1 variant allele.
Comment: OTOG: PM2

Labcorp Genetics (formerly Invitae), Labcorp
Classification: Uncertain significance. Last evaluated: 2022-08-15. Review status: criteria provided, single submitter. Criteria: Invitae Variant Classification Sherloc (09022015). Collection method: clinical testing. Allele origin: germline.
Comment: This variant is present in population databases (rs527271032, gnomAD 0.004%). In summary, the available evidence is currently insufficient to determine the role of this variant in disease. Therefore, it has been classified as a Variant of Uncertain Significance. Algorithms developed to predict the effect of missense changes on protein structure and function output the following: SIFT: "Tolerated"; PolyPhen-2: "Benign"; Align-GVGD: "Class C0". The threonine amino acid residue is found in multiple mammalian species, which suggests that this missense change does not adversely affect protein function. This variant has not been reported in the literature in individuals affected with OTOG-related conditions. This sequence change replaces alanine, which is neutral and non-polar, with threonine, which is neutral and polar, at codon 751 of the OTOG protein (p.Ala751Thr).

NM_001292063.2(OTOG):c.2215G>A (p.Ala739Thr)

Gene: OTOG (otogelin; plus strand). Cytogenetic location: 11p15.1.
Variant type: single nucleotide variant.
Coding change: c.2215G>A on transcript NM_001292063.2 (MANE Select); coding-DNA position 2215, G replaced by A.
Protein change: p.Ala739Thr; replaces alanine 739 with threonine.
Molecular consequence: missense variant.
Genome position (GRCh38, 1-based): chr11:17,573,212, G>A. VCF-style: chr11-17573212-G-A. GRCh37 (hg19) VCF-style: chr11-17594759-G-A.
Other names: c.2251G>A, p.Ala751Thr (NM_001277269.2); short protein forms A751T, A739T.
Identifiers: ClinVar variation 1988623 (VCV001988623.10), dbSNP rs527271032, ClinGen allele CA5905592.